The following is an entry in ClinVar:

ClinVar aggregate classification (germline): Uncertain significance (1 of 4 stars; one submission).

Submission:

Labcorp Genetics (formerly Invitae), Labcorp
Classification: Uncertain significance. Last evaluated: 2022-06-13. Review status: criteria provided, single submitter. Criteria: Invitae Variant Classification Sherloc (09022015). Collection method: clinical testing. Allele origin: germline.
Comment: This variant is not present in population databases (gnomAD no frequency). This sequence change replaces phenylalanine, which is neutral and non-polar, with leucine, which is neutral and non-polar, at codon 2875 of the SPEG protein (p.Phe2875Leu). This variant has not been reported in the literature in individuals affected with SPEG-related conditions. In summary, the available evidence is currently insufficient to determine the role of this variant in disease. Therefore, it has been classified as a Variant of Uncertain Significance. Algorithms developed to predict the effect of missense changes on protein structure and function output the following: SIFT: "Tolerated"; PolyPhen-2: "Benign"; Align-GVGD: "Class C0". The leucine amino acid residue is found in multiple mammalian species, which suggests that this missense change does not adversely affect protein function.

NM_005876.5(SPEG):c.8623T>C (p.Phe2875Leu)

Genes: ASIC4-AS1 (ASIC4 antisense RNA 1; minus strand), SPEG (striated muscle enriched protein kinase; plus strand). Cytogenetic location: 2q35.
Variant type: single nucleotide variant.
Coding change: c.8623T>C on transcript NM_005876.5 (MANE Select); coding-DNA position 8623, T replaced by C.
Protein change: p.Phe2875Leu; replaces phenylalanine 2875 with leucine.
Molecular consequence: missense variant.
Genome position (GRCh38, 1-based): chr2:219,489,641, T>C. VCF-style: chr2-219489641-T-C. GRCh37 (hg19) VCF-style: chr2-220354363-T-C.
Other names: short protein forms F2875L.
Identifiers: ClinVar variation 2005501 (VCV002005501.4), dbSNP rs1693782612, ClinGen allele CA350710071.